The following is an entry in ClinVar:

NM_001040108.2(MLH3):c.2565G>C (p.Glu855Asp)

Gene: MLH3 (mutL homolog 3; minus strand). Cytogenetic location: 14q24.3.
Variant type: single nucleotide variant.
Coding change: c.2565G>C on transcript NM_001040108.2 (MANE Select); coding-DNA position 2565, G replaced by C.
Protein change: p.Glu855Asp; replaces glutamic acid 855 with aspartic acid.
Molecular consequence: missense variant.
Genome position (GRCh38, 1-based): chr14:75,047,091, C>G on the plus strand (G>C on the coding strand, the complement: MLH3 is on the minus strand). VCF-style: chr14-75047091-C-G. GRCh37 (hg19) VCF-style: chr14-75513794-C-G.
Other names: c.2565G>C, p.Glu855Asp (NM_014381.3); short protein forms E855D.
Identifiers: ClinVar variation 1793163 (VCV001793163.5), dbSNP rs771780773, ClinGen allele CA7275682.
Genomic context (GRCh38, chr14:75,047,091, plus strand): 5'-AGAGGCTAGTGATTCAGATGACTTCTCAAGGTCCAAAGGTTTTCTATTAAAGAGAGATAA[C>G]TCCTTCAGGGTCATAGGACTTTCTCTCAAACTAGGCATCTGTTGTTCTAAACAATCTTCA-3'
Protein context (NP_001035197.1, residues 845-865): SLRESPMTLK[Glu855Asp]LSLFNRKPLD

ClinVar aggregate classification (germline): Uncertain significance. Review status: criteria provided, multiple submitters, no conflicts (2 of 4 stars). 2 submissions from 2 submitters: Uncertain significance (2). Last evaluated 2024-11-09.

Conditions:
Colorectal cancer, hereditary nonpolyposis, type 7. Identifiers: Orphanet 144, MedGen C1858380, MONDO:0013725, OMIM 614385.

Allele frequency attached by ClinVar (database versions not stated): ExAC 0.00003.
gnomAD v4.1: 5 of 1,614,136 alleles (0.00031%); highest among the groups gnomAD compares: Non-Finnish European, 0.00042%; no homozygotes.

Submissions (2):

Ambry Genetics
Classification: Uncertain significance. Last evaluated: 2024-11-09. Review status: criteria provided, single submitter. Criteria: Ambry Variant Classification Scheme 2023. Collection method: clinical testing. Allele origin: germline.
Comment: The p.E855D variant (also known as c.2565G>C), located in coding exon 1 of the MLH3 gene, results from a G to C substitution at nucleotide position 2565. The glutamic acid at codon 855 is replaced by aspartic acid, an amino acid with highly similar properties. This amino acid position is conserved. In addition, this alteration is predicted to be tolerated by in silico analysis. Since supporting evidence is limited at this time, the clinical significance of this alteration remains unclear.

Labcorp Genetics (formerly Invitae), Labcorp
Classification: Uncertain significance for Colorectal cancer, hereditary nonpolyposis, type 7. Last evaluated: 2024-05-15. Review status: criteria provided, single submitter. Criteria: Invitae Variant Classification Sherloc (09022015). Collection method: clinical testing. Allele origin: germline.
Comment: This sequence change replaces glutamic acid, which is acidic and polar, with aspartic acid, which is acidic and polar, at codon 855 of the MLH3 protein (p.Glu855Asp). This variant is present in population databases (rs771780773, gnomAD 0.004%). This variant has not been reported in the literature in individuals affected with MLH3-related conditions. ClinVar contains an entry for this variant (Variation ID: 1793163). Algorithms developed to predict the effect of missense changes on protein structure and function output the following: SIFT: "Not Available"; PolyPhen-2: "Benign"; Align-GVGD: "Not Available". The aspartic acid amino acid residue is found in multiple mammalian species, which suggests that this missense change does not adversely affect protein function. In summary, the available evidence is currently insufficient to determine the role of this variant in disease. Therefore, it has been classified as a Variant of Uncertain Significance.